The following is an entry in ClinVar:

NM_000138.5(FBN1):c.7760del (p.Gly2587fs)

Gene: FBN1 (fibrillin 1; minus strand). Cytogenetic location: 15q21.1.
Variant type: Deletion.
Coding change: c.7760del on transcript NM_000138.5 (MANE Select); coding-DNA position 7760, one base deleted (G; older notation c.7760delG).
Protein change: p.Gly2587fs; shifts the reading frame from glycine 2587.
Molecular consequence: frameshift variant.
Genome position (GRCh38, 1-based): chr15:48,420,746, C deleted on the plus strand (G on the coding strand, the reverse complement: FBN1 is on the minus strand); the first of 5 consecutive C bases (chr15:48,420,746-48,420,750); deleting any one gives the same sequence. VCF-style (leftmost placement, unchanged base first): chr15-48420745-GC-G. GRCh37 (hg19) VCF-style: chr15-48712942-GC-G.
Other names: c.7760delG (NM_000138.4, NM_000138.5); short protein forms G2587fs.
Identifiers: ClinVar variation 653146 (VCV000653146.9), dbSNP rs1597512677, ClinGen allele CA915946625.

ClinVar aggregate classification (germline): Pathogenic. Review status: criteria provided, multiple submitters, no conflicts (2 of 4 stars). 2 submissions from 2 submitters: Pathogenic (2). Last evaluated 2025-09-29.

Conditions:
Familial thoracic aortic aneurysm and aortic dissection (TAAD). Also called: Thoracic aortic aneurysms and dissections. Identifiers: Orphanet 91387, MedGen C4707243, MONDO:0019625.
Marfan syndrome (MFS). Also called: FBN1-Related Marfan Syndrome; Marfan syndrome type 1; Marfan's syndrome; Marfan syndrome, classic; MARFAN SYNDROME, TYPE I. Identifiers: Orphanet 284963, Orphanet 558, MedGen C0024796, MONDO:0007947, OMIM 154700.
Marfan Syndrome/Loeys-Dietz Syndrome/Familial Thoracic Aortic Aneurysms and Dissections. Identifiers: MedGen CN229799.

Submissions (2):

Women's Health and Genetics/Laboratory Corporation of America, LabCorp
Classification: Pathogenic for Marfan Syndrome/Loeys-Dietz Syndrome/Familial Thoracic Aortic Aneurysms and Dissections. Last evaluated: 2025-09-29. Review status: criteria provided, single submitter. Criteria: LabCorp Variant Classification Summary - May 2015. Collection method: clinical testing. Allele origin: germline.
Comment: Variant summary: FBN1 c.7760delG (p.Gly2587AlafsX95) results in a premature termination codon, predicted to cause a truncation of the encoded protein or absence of the protein due to nonsense mediated decay, which are commonly known mechanisms for disease. The variant was absent in 250880 control chromosomes. c.7760delG has been observed in at least 1 individual(s) affected with clinical features of Marfan Syndrome (example, Baudhuin_2015). These report(s) do not provide unequivocal conclusions about association of the variant with Marfan Syndrome. The following publication has been ascertained in the context of this evaluation (PMID: 25101912). ClinVar contains an entry for this variant (Variation ID: 653146). Based on the evidence outlined above, the variant was classified as pathogenic.

Labcorp Genetics (formerly Invitae), Labcorp
Classification: Pathogenic for Marfan syndrome; Familial thoracic aortic aneurysm and aortic dissection. Last evaluated: 2025-04-24. Review status: criteria provided, single submitter. Criteria: Invitae Variant Classification Sherloc (09022015). Collection method: clinical testing. Allele origin: germline.
Comment: This sequence change creates a premature translational stop signal (p.Gly2587Alafs*95) in the FBN1 gene. It is expected to result in an absent or disrupted protein product. Loss-of-function variants in FBN1 are known to be pathogenic (PMID: 17657824, 19293843). This variant is not present in population databases (gnomAD no frequency). This premature translational stop signal has been observed in individuals with Marfan syndrome (PMID: 25101912; internal data). This variant is also known as c.7760del p.G2587AfsX95. ClinVar contains an entry for this variant (Variation ID: 653146). For these reasons, this variant has been classified as Pathogenic.

Literature cited by the submitters: PubMed 25101912 (cited by Women's Health and Genetics/Laboratory Corporation of America, LabCorp and Labcorp Genetics (formerly Invitae), Labcorp); PubMed 17657824 (cited by Labcorp Genetics (formerly Invitae), Labcorp); PubMed 19293843 (cited by Labcorp Genetics (formerly Invitae), Labcorp).